The following is an entry in ClinVar:

NM_001943.5(DSG2):c.1336G>T (p.Glu446Ter)

Gene: DSG2 (desmoglein 2; plus strand). Cytogenetic location: 18q12.1.
Variant type: single nucleotide variant.
Coding change: c.1336G>T on transcript NM_001943.5 (MANE Select); coding-DNA position 1336, G replaced by T.
Protein change: p.Glu446Ter; replaces glutamic acid 446 with a stop codon.
Molecular consequence: nonsense.
Genome position (GRCh38, 1-based): chr18:31,535,325, G>T. VCF-style: chr18-31535325-G-T. GRCh37 (hg19) VCF-style: chr18-29115288-G-T.
Other names: short protein forms E446*.
Identifiers: ClinVar variation 2430799 (VCV002430799.2), dbSNP rs2510917290, ClinGen allele CA402140341.

ClinVar aggregate classification (germline): Likely pathogenic (1 of 4 stars; one submission).

Submission:

GeneDx
Classification: Likely pathogenic. Last evaluated: 2024-05-17. Review status: criteria provided, single submitter. Criteria: GeneDx Variant Classification Process June 2021. Collection method: clinical testing. Allele origin: germline.
Comment: Has not been previously published as pathogenic or benign to our knowledge; Not observed at significant frequency in large population cohorts (gnomAD); Nonsense variant predicted to result in protein truncation or nonsense mediated decay in a gene for which loss of function is a known mechanism of disease; This variant is associated with the following publications: (PMID: 33911214)